The following is an entry in ClinVar:

NM_001394998.1(TANC2):c.3373C>T (p.Arg1125Cys)

Genes: TANC2 (tetratricopeptide repeat, ankyrin repeat and coiled-coil containing 2; plus strand), LOC105371856 (uncharacterized LOC105371856; minus strand). Cytogenetic location: 17q23.3.
Variant type: single nucleotide variant.
Coding change: c.3373C>T on transcript NM_001394998.1 (MANE Select); coding-DNA position 3373, C replaced by T.
Protein change: p.Arg1125Cys; replaces arginine 1125 with cysteine.
Molecular consequence: missense variant.
Genome position (GRCh38, 1-based): chr17:63,405,163, C>T. VCF-style: chr17-63405163-C-T. GRCh37 (hg19) VCF-style: chr17-61482524-C-T.
Other names: c.3151C>T, p.Arg1051Cys (NM_001411076.1, NM_025185.4); short protein forms R1051C, R1125C.
Identifiers: ClinVar variation 2444546 (VCV002444546.1), dbSNP rs1369067776, ClinGen allele CA400535631.

ClinVar aggregate classification (germline): Uncertain significance (1 of 4 stars; one submission).

Allele frequency attached by ClinVar (database versions not stated): gnomAD exomes below 0.00001; TOPMed below 0.00001; gnomAD 0.00001.
gnomAD v4.1: 2 of 1,613,050 alleles (0.00012%); highest among the groups gnomAD compares: African/African-American, 0.0013%; no homozygotes.

Submission:

GeneDx
Classification: Uncertain significance. Last evaluated: 2022-09-20. Review status: criteria provided, single submitter. Criteria: GeneDx Variant Classification Process June 2021. Collection method: clinical testing. Allele origin: germline. Affected: yes.
Comment: Not observed at significant frequency in large population cohorts (gnomAD); In silico analysis supports that this missense variant has a deleterious effect on protein structure/function; Has not been previously published as pathogenic or benign to our knowledge